The following is an entry in ClinVar:

ClinVar aggregate classification (germline): Likely pathogenic (1 of 4 stars; one submission).

Conditions:
Kabuki syndrome. Also called: NIIKAWA-KUROKI SYNDROME; Kabuki make-up syndrome. Identifiers: Orphanet 2322, MedGen C0796004, MONDO:0016512.

Allele frequency attached by ClinVar (database versions not stated): gnomAD exomes below 0.00001.
gnomAD v4.1: 2 of 1,612,624 alleles (0.00012%); highest among the groups gnomAD compares: Non-Finnish European, 0.000085%; no homozygotes.

Submission:

Labcorp Genetics (formerly Invitae), Labcorp
Classification: Likely pathogenic for Kabuki syndrome. Last evaluated: 2019-02-05. Review status: criteria provided, single submitter. Criteria: Invitae Variant Classification Sherloc (09022015). Collection method: clinical testing. Allele origin: germline.
Comment: This sequence change affects an acceptor splice site in intron 6 of the KMT2D gene. It is expected to disrupt RNA splicing and likely results in an absent or disrupted protein product. This variant is not present in population databases (ExAC no frequency) and has not been reported in the literature in individuals with a KMT2D-related disease. In summary, donor and acceptor splice site variants are typically loss-of-function (PMID: 16199547), and loss-of-function variants in KMT2D are known to be pathogenic (PMID: 24633898, 22126750). However, without additional functional and/or genetic data, this variant has been classified as Likely Pathogenic.

Literature cited by the submitters: PubMed 16199547; PubMed 24633898; PubMed 22126750.

NM_003482.4(KMT2D):c.840-2A>G

Gene: KMT2D (lysine methyltransferase 2D; minus strand). Cytogenetic location: 12q13.12.
Variant type: single nucleotide variant.
Coding change: c.840-2A>G on transcript NM_003482.4 (MANE Select); the canonical splice acceptor site of the intron before coding-DNA position 840, A replaced by G.
Molecular consequence: splice acceptor variant.
Genome position (GRCh38, 1-based): chr12:49,053,323, T>C on the plus strand (A>G on the coding strand, the complement: KMT2D is on the minus strand). VCF-style: chr12-49053323-T-C. GRCh37 (hg19) VCF-style: chr12-49447106-T-C.
Identifiers: ClinVar variation 463023 (VCV000463023.9), dbSNP rs1555198201, ClinGen allele CA384680417.